The following is an entry in ClinVar:

NM_022168.4(IFIH1):c.1934G>C (p.Ser645Thr)

Gene: IFIH1 (interferon induced with helicase C domain 1; minus strand). Cytogenetic location: 2q24.2.
Variant type: single nucleotide variant.
Coding change: c.1934G>C on transcript NM_022168.4 (MANE Select); coding-DNA position 1934, G replaced by C.
Protein change: p.Ser645Thr; replaces serine 645 with threonine.
Molecular consequence: missense variant.
Genome position (GRCh38, 1-based): chr2:162,277,525, C>G on the plus strand (G>C on the coding strand, the complement: IFIH1 is on the minus strand). VCF-style: chr2-162277525-C-G. GRCh37 (hg19) VCF-style: chr2-163134035-C-G.
Other names: c.1934G>C (NM_022168.3); short protein forms S645T.
Identifiers: ClinVar variation 1969804 (VCV001969804.6), dbSNP rs779637110, ClinGen allele CA1934349.
Genomic context (GRCh38, chr2:162,277,525, plus strand): 5'-TTCTTTAAATCATCCTCATCTTCATCACCATCACAATACTCATCATCACCACCCTCATCA[C>G]TATCATCTTCTATGACTGCAAACTTCTTATCTTTCTCTTCATTATAGAAAGTTTCAAGAT-3'
Protein context (NP_071451.2, residues 635-655): DKKFAVIEDD[Ser645Thr]DEGGDDEYCD

ClinVar aggregate classification (germline): Uncertain significance. Review status: criteria provided, multiple submitters, no conflicts (2 of 4 stars). 2 submissions from 2 submitters: Uncertain significance (2). Last evaluated 2025-06-14.

Conditions:
Singleton-Merten syndrome 1 (SGMRT1). Also called: Widened medullary cavities of bone, aortic calcification, abnormal dentition, and muscular weakness; Syndrome of widened medullary cavities of the metacarpals and phalanges, aortic calcification and abnormal dentition. Identifiers: Orphanet 85191, MedGen C4225427, MONDO:0024535, OMIM 182250.
Aicardi-Goutieres syndrome 7 (AGS7). Identifiers: Orphanet 51, MedGen C3888244, MONDO:0014367, OMIM 615846.
IFIH1-related disorder. Also called: IFIH1-related condition.

Allele frequency attached by ClinVar (database versions not stated): gnomAD 0.00001; TOPMed 0.00001.
gnomAD v4.1: 57 of 1,585,956 alleles (0.0036%); highest among the groups gnomAD compares: Non-Finnish European, 0.0048%; no homozygotes.

Submissions (2):

Labcorp Genetics (formerly Invitae), Labcorp
Classification: Uncertain significance for Aicardi-Goutieres syndrome 7; Singleton-Merten syndrome 1. Last evaluated: 2025-06-14. Review status: criteria provided, single submitter. Criteria: Invitae Variant Classification Sherloc (09022015). Collection method: clinical testing. Allele origin: germline.
Comment: This sequence change replaces serine, which is neutral and polar, with threonine, which is neutral and polar, at codon 645 of the IFIH1 protein (p.Ser645Thr). This variant is present in population databases (rs779637110, gnomAD 0.003%). This variant has not been reported in the literature in individuals affected with IFIH1-related conditions. ClinVar contains an entry for this variant (Variation ID: 1969804). Invitae Evidence Modeling of protein sequence and biophysical properties (such as structural, functional, and spatial information, amino acid conservation, physicochemical variation, residue mobility, and thermodynamic stability) has been performed for this missense variant. However, the output from this modeling did not meet the statistical confidence thresholds required to predict the impact of this variant on IFIH1 protein function. In summary, the available evidence is currently insufficient to determine the role of this variant in disease. Therefore, it has been classified as a Variant of Uncertain Significance.

PreventionGenetics, part of Exact Sciences
Classification: Uncertain significance for IFIH1-related condition. Last evaluated: 2025-04-25. Review status: criteria provided, single submitter. Criteria: ACMG Guidelines, 2015. Collection method: clinical testing. Allele origin: germline.
Comment: The IFIH1 c.1934G>C variant is predicted to result in the amino acid substitution p.Ser645Thr. To our knowledge, this variant has not been reported in the literature. This variant is present in 0.0023% of alleles in individuals of European (Non-Finnish) descent in gnomAD. At this time, the clinical significance of this variant is uncertain due to the absence of conclusive functional and genetic evidence.